The following is an entry in ClinVar:

NM_005422.4(TECTA):c.2740A>G (p.Ile914Val)

Genes: TBCEL-TECTA (TBCEL-TECTA readthrough; plus strand), TECTA (tectorin alpha; plus strand), LOC126861365 (P300/CBP strongly-dependent group 1 enhancer GRCh37_chr11:121000154-121001353; plus strand). Cytogenetic location: 11q23.3.
Variant type: single nucleotide variant.
Coding change: c.2740A>G on transcript NM_005422.4 (MANE Select); coding-DNA position 2740, A replaced by G.
Protein change: p.Ile914Val; replaces isoleucine 914 with valine.
Molecular consequence: missense variant.
Genome position (GRCh38, 1-based): chr11:121,130,010, A>G. VCF-style: chr11-121130010-A-G. GRCh37 (hg19) VCF-style: chr11-121000719-A-G.
Other names: c.3697A>G, p.Ile1233Val (NM_001378761.1); short protein forms I914V, I1233V.
Identifiers: ClinVar variation 505362 (VCV000505362.6), dbSNP rs1303790601, ClinGen allele CA383017130.

ClinVar aggregate classification (germline): Conflicting classifications of pathogenicity. Review status: criteria provided, conflicting classifications (1 of 4 stars). 2 submissions from 2 submitters: Uncertain significance (1); Likely benign (1). Last evaluated 2022-10-24.

Allele frequency attached by ClinVar (database versions not stated): gnomAD exomes below 0.00001.
gnomAD v4.1: 2 of 1,608,878 alleles (0.00012%); highest among the groups gnomAD compares: Non-Finnish European, 0.00017%; no homozygotes.

Submissions (2):

Blueprint Genetics
Classification: Uncertain significance. Last evaluated: 2022-10-24. Review status: criteria provided, single submitter. Criteria: ACMG Guidelines, 2015. Collection method: clinical testing. Allele origin: germline.

Laboratory for Molecular Medicine, Mass General Brigham Personalized Medicine
Classification: Likely benign. Last evaluated: 2016-11-13. Review status: criteria provided, single submitter. Criteria: LMM Criteria. Collection method: clinical testing. Allele origin: germline. Observed: 1 variant allele.
Comment: p.Ile914Val in exon 9 of TECTA: This variant is not expected to have clinical si gnificance due to a lack of conservation across species. Of note, 4 mammals (Chi nese tree shrew, microbat, David's myotis, and shrew) have a valine (Val) at thi s position despite high nearby amino acid conservation. In addition, computation al prediction tools do not suggest a high likelihood of impact to the protein.